The following is an entry in ClinVar:

NM_001330260.2(SCN8A):c.1636-237G>A

Gene: SCN8A (sodium voltage-gated channel alpha subunit 8; plus strand). Cytogenetic location: 12q13.13.
Variant type: single nucleotide variant.
Coding change: c.1636-237G>A on transcript NM_001330260.2 (MANE Select); 237 bases into the intron before coding-DNA position 1636, G replaced by A.
Molecular consequence: intron variant.
Genome position (GRCh38, 1-based): chr12:51,721,309, G>A. VCF-style: chr12-51721309-G-A. GRCh37 (hg19) VCF-style: chr12-52115093-G-A.
Other names: c.1636-237G>A (NM_014191.4, NM_001177984.3, NM_001369788.1).
Identifiers: ClinVar variation 677383 (VCV000677383.1), dbSNP rs74091624, ClinGen allele CA236266841.

ClinVar aggregate classification (germline): Benign (1 of 4 stars; one submission).

Allele frequency attached by ClinVar (database versions not stated): gnomAD 0.04272 and 0.04589; 1000 Genomes Project 0.04752; TOPMed 0.04916; 1000 Genomes Project 30x 0.04919.
gnomAD v4.1: 6,413 of 151,826 alleles (4.2%); highest among the groups gnomAD compares: African/African-American, 14%; 428 homozygotes.

Submission:

GeneDx
Classification: Benign. Last evaluated: 2018-06-14. Review status: criteria provided, single submitter. Criteria: GeneDx Variant Classification (06012015). Collection method: clinical testing. Allele origin: germline. Affected: yes.
Comment: This variant is considered likely benign or benign based on one or more of the following criteria: it is a conservative change, it occurs at a poorly conserved position in the protein, it is predicted to be benign by multiple in silico algorithms, and/or has population frequency not consistent with disease.